The following is an entry in ClinVar:

ClinVar aggregate classification (germline): Likely benign (1 of 4 stars; one submission).

gnomAD v4.1: 2 of 1,613,482 alleles (0.00012%); highest among the groups gnomAD compares: East Asian, 0.0022%; no homozygotes.

Submission:

CeGaT Center for Human Genetics Tuebingen
Classification: Likely benign. Last evaluated: 2024-07-01. Review status: criteria provided, single submitter. Criteria: CeGaT Center For Human Genetics Tuebingen Variant Classification Criteria Version 2. Collection method: clinical testing. Allele origin: germline. Affected: yes. Observed: 1 variant allele.
Comment: FLG: BP4, BP7

NM_002016.2(FLG):c.4677A>G (p.Ser1559=)

Genes: CCDST (cervical cancer associated DHX9 suppressive transcript; plus strand), FLG (filaggrin; minus strand). Cytogenetic location: 1q21.3.
Variant type: single nucleotide variant.
Coding change: c.4677A>G on transcript NM_002016.2 (MANE Select); coding-DNA position 4677, A replaced by G.
Protein change: p.Ser1559=; no amino-acid change (serine 1559 retained).
Molecular consequence: synonymous variant.
Genome position (GRCh38, 1-based): chr1:152,310,209, T>C on the plus strand (A>G on the coding strand, the complement: FLG is on the minus strand). VCF-style: chr1-152310209-T-C. GRCh37 (hg19) VCF-style: chr1-152282685-T-C.
Identifiers: ClinVar variation 3257677 (VCV003257677.17).